The following is an entry in ClinVar:

NM_001320752.2(STS):c.985G>A (p.Asp329Asn)

Gene: STS (steroid sulfatase; plus strand). Cytogenetic location: Xp22.31.
Variant type: single nucleotide variant.
Coding change: c.985G>A on transcript NM_001320752.2 (MANE Select); coding-DNA position 985, G replaced by A.
Protein change: p.Asp329Asn; replaces aspartic acid 329 with asparagine.
Molecular consequence: missense variant.
Genome position (GRCh38, 1-based): chrX:7,305,087, G>A. VCF-style: chrX-7305087-G-A. GRCh37 (hg19) VCF-style: chrX-7223128-G-A.
Other names: c.985G>A, p.Asp329Asn (NM_000351.7, NM_001320753.2, NM_001320754.2); c.1021G>A, p.Asp341Asn (NM_001320750.3, NM_001320751.2); short protein forms D329N, D341N.
Identifiers: ClinVar variation 3251159 (VCV003251159.18), dbSNP rs747161344.
Genomic context (GRCh38, chrX:7,305,087, plus strand): 5'-GAGTCTTTTTCCCCTCCAGGGCAGATCTTGAACCTTCTGGATGAGCTGAGATTGGCTAAT[G>A]ATACCCTCATCTACTTCACATCGGACCAGGGAGCACATGTAGAAGAAGTGTCTTCCAAAG-3'
Protein context (NP_001307681.2, residues 319-339): NLLDELRLAN[Asp329Asn]TLIYFTSDQG

ClinVar aggregate classification (germline): Uncertain significance (1 of 4 stars; one submission).

Allele frequency attached by ClinVar (database versions not stated): gnomAD exomes below 0.00001; ExAC 0.00001.
gnomAD v4.1: 1 of 1,211,084 alleles (0.000083%); highest among the groups gnomAD compares: Non-Finnish European, 0.00011%; no homozygotes.

Submission:

CeGaT Center for Human Genetics Tuebingen
Classification: Uncertain significance. Last evaluated: 2024-06-01. Review status: criteria provided, single submitter. Criteria: CeGaT Center For Human Genetics Tuebingen Variant Classification Criteria Version 2. Collection method: clinical testing. Allele origin: germline. Affected: yes. Observed: 1 variant allele.
Comment: STS: PM2:Supporting, BP4